The following is an entry in ClinVar:

NM_015270.5(ADCY6):c.2896C>T (p.Arg966Cys)

Gene: ADCY6 (adenylate cyclase 6; minus strand). Cytogenetic location: 12q13.12.
Variant type: single nucleotide variant.
Coding change: c.2896C>T on transcript NM_015270.5 (MANE Select); coding-DNA position 2896, C replaced by T.
Protein change: p.Arg966Cys; replaces arginine 966 with cysteine.
Molecular consequence: missense variant. On other transcripts: non-coding transcript variant (1).
Genome position (GRCh38, 1-based): chr12:48,771,865, G>A on the plus strand (C>T on the coding strand, the complement: ADCY6 is on the minus strand). VCF-style: chr12-48771865-G-A. GRCh37 (hg19) VCF-style: chr12-49165648-G-A.
Other names: c.2737C>T, p.Arg913Cys (NM_001390830.1); c.2896C>T, p.Arg966Cys (NM_001390831.2, NM_001412819.1, NM_001412820.1 and 2 more transcripts); short protein forms R966C, R913C.
Identifiers: ClinVar variation 5005109 (VCV005005109.2).

ClinVar aggregate classification (germline): Uncertain significance (1 of 4 stars; one submission).

Conditions:
Lethal congenital contracture syndrome 8 (LCCS8). Identifiers: MedGen C4225385, MONDO:0014570, OMIM 616287.

gnomAD v4.1: 537 of 1,614,118 alleles (0.033%); highest among the groups gnomAD compares: Middle Eastern, 0.049%; no homozygotes.

Submission:

Juno Genomics, Hangzhou Juno Genomics, Inc
Classification: Uncertain significance for Lethal congenital contracture syndrome 8. Review status: criteria provided, single submitter. Criteria: ACMG Guidelines, 2015. Collection method: clinical testing. Allele origin: germline.
Comment: Absent from controls (or at extremely low frequency if recessive) in Genome Aggregation Database.;Multiple lines of computational evidence support a deleterious effect on the gene or gene product.